The following is an entry in ClinVar:

NM_001080517.3(SETD5):c.2027G>A (p.Gly676Glu)

Gene: SETD5 (SET domain containing 5; plus strand). Cytogenetic location: 3p25.3.
Variant type: single nucleotide variant.
Coding change: c.2027G>A on transcript NM_001080517.3 (MANE Select); coding-DNA position 2027, G replaced by A.
Protein change: p.Gly676Glu; replaces glycine 676 with glutamic acid.
Molecular consequence: missense variant.
Genome position (GRCh38, 1-based): chr3:9,447,930, G>A. VCF-style: chr3-9447930-G-A. GRCh37 (hg19) VCF-style: chr3-9489614-G-A.
Other names: c.1733G>A, p.Gly578Glu (NM_001292043.2, NM_001349451.2); short protein forms G578E, G676E.
Identifiers: ClinVar variation 1921987 (VCV001921987.5), dbSNP rs2472973198, ClinGen allele CA351699481.

ClinVar aggregate classification (germline): Uncertain significance (1 of 4 stars; one submission).

Submission:

Labcorp Genetics (formerly Invitae), Labcorp
Classification: Uncertain significance. Last evaluated: 2024-10-24. Review status: criteria provided, single submitter. Criteria: Invitae Variant Classification Sherloc (09022015). Collection method: clinical testing. Allele origin: germline.
Comment: This sequence change replaces glycine, which is neutral and non-polar, with glutamic acid, which is acidic and polar, at codon 676 of the SETD5 protein (p.Gly676Glu). This variant is not present in population databases (gnomAD no frequency). This variant has not been reported in the literature in individuals affected with SETD5-related conditions. ClinVar contains an entry for this variant (Variation ID: 1921987). Invitae Evidence Modeling of protein sequence and biophysical properties (such as structural, functional, and spatial information, amino acid conservation, physicochemical variation, residue mobility, and thermodynamic stability) indicates that this missense variant is not expected to disrupt SETD5 protein function with a negative predictive value of 80%. In summary, the available evidence is currently insufficient to determine the role of this variant in disease. Therefore, it has been classified as a Variant of Uncertain Significance.